The following is an entry in ClinVar:

NM_000443.4(ABCB4):c.3491A>G (p.Tyr1164Cys)

Gene: ABCB4 (ATP binding cassette subfamily B member 4; minus strand). Cytogenetic location: 7q21.12.
Variant type: single nucleotide variant.
Coding change: c.3491A>G on transcript NM_000443.4 (MANE Select); coding-DNA position 3491, A replaced by G.
Protein change: p.Tyr1164Cys; replaces tyrosine 1164 with cysteine.
Molecular consequence: missense variant.
Genome position (GRCh38, 1-based): chr7:87,403,277, T>C on the plus strand (A>G on the coding strand, the complement: ABCB4 is on the minus strand). VCF-style: chr7-87403277-T-C. GRCh37 (hg19) VCF-style: chr7-87032593-T-C.
Other names: c.3512A>G, p.Tyr1171Cys (NM_018849.3); c.3350A>G, p.Tyr1117Cys (NM_018850.3); short protein forms Y1117C, Y1164C, Y1171C.
Identifiers: ClinVar variation 3340380 (VCV003340380.2).
Genomic context (GRCh38, chr7:87,403,277, plus strand): 5'-GCAATCCTCTGTTTTTGACCTCCTGAGAGCTGAGTCCCCTTATCTCCCACTCTTGTTTCA[T>C]ATTTCTGCAAGTTAACCAAATTATAAATATGTTGAATGAACTGTTGCTTAACAGTTGACA-3'
Protein context (NP_000434.1, residues 1154-1174): HPFIETLPHK[Tyr1164Cys]ETRVGDKGTQ

ClinVar aggregate classification (germline): Uncertain significance. Review status: criteria provided, multiple submitters, no conflicts (2 of 4 stars). 2 submissions from 2 submitters: Uncertain significance (2). Last evaluated 2026-04-14.

Conditions:
Familial intrahepatic cholestasis. Identifiers: Orphanet 284385, MedGen CN296401, MONDO:0017290.

Submissions (2):

Genomenon, Inc
Classification: Uncertain significance for Familial intrahepatic cholestasis. Last evaluated: 2026-04-14. Review status: criteria provided, single submitter. Criteria: Genomenon Sequence Variant Interpretation Standards - Updated. Collection method: curation. Allele origin: germline. Affected: yes.
Comment: ABCB4 p.Tyr1164Cys (c.3491A>G) is a missense variant that changes the amino acid at residue 1164 from Tyrosine to Cysteine. This variant has been observed in at least one proband with an ABCB4-related disorder (PMID:28039895;20683201). It is absent or not present at a significant frequency in gnomAD. In silico models predict that this variant is possibly or probably damaging. In conclusion, we classify ABCB4 p.Tyr1164Cys (c.3491A>G) as a variant of uncertain significance.

GeneDx
Classification: Uncertain significance. Last evaluated: 2023-12-30. Review status: criteria provided, single submitter. Criteria: GeneDx Variant Classification Process June 2021. Collection method: clinical testing. Allele origin: germline. Affected: yes.
Comment: Not observed at significant frequency in large population cohorts (gnomAD); In silico analysis supports that this missense variant has a deleterious effect on protein structure/function; Also known as c.3350A>G, p.Y1117C; This variant is associated with the following publications: (PMID: 28039895, 34016879)

Literature cited by the submitters: PubMed 28039895 (cited by Genomenon, Inc); PubMed 20683201 (cited by Genomenon, Inc).